The following is an entry in ClinVar:

NM_000264.5(PTCH1):c.2704-3T>C

Gene: PTCH1 (patched 1; minus strand). Cytogenetic location: 9q22.32.
Variant type: single nucleotide variant.
Coding change: c.2704-3T>C on transcript NM_000264.5 (MANE Select); 3 bases into the intron before coding-DNA position 2704, T replaced by C.
Molecular consequence: intron variant.
Genome position (GRCh38, 1-based): chr9:95,459,786, A>G on the plus strand (T>C on the coding strand, the complement: PTCH1 is on the minus strand). VCF-style: chr9-95459786-A-G. GRCh37 (hg19) VCF-style: chr9-98222068-A-G.
Other names: c.2701-3T>C (NM_001083603.3); c.2506-3T>C (NM_001083602.3); c.2548-3T>C (NM_001354918.2); c.2251-3T>C (NM_001083605.3, NM_001083604.3, NM_001083606.3 and 1 more transcripts).
Identifiers: ClinVar variation 524536 (VCV000524536.16), dbSNP rs1208489068, ClinGen allele CA589581190.

ClinVar aggregate classification (germline): Conflicting classifications of pathogenicity. Review status: criteria provided, conflicting classifications (1 of 4 stars). 2 submissions from 2 submitters: Uncertain significance (1); Likely benign (1). Last evaluated 2026-01-13.

Conditions:
Hereditary cancer-predisposing syndrome. Also called: Neoplastic Syndromes, Hereditary; Tumor predisposition; Hereditary Cancer Syndrome; Hereditary neoplastic syndrome. Identifiers: Orphanet 140162, MedGen C0027672, MeSH D009386, MONDO:0015356.
Gorlin syndrome. Also called: Nevoid Basal Cell Carcinoma Syndrome; Basal cell nevus syndrome. Identifiers: Orphanet 377, MedGen C0004779, MONDO:0007187.

Allele frequency attached by ClinVar (database versions not stated): gnomAD 0.00001; gnomAD exomes 0.00001 and 0.00002.
gnomAD v4.1: 15 of 1,614,100 alleles (0.00093%); highest among the groups gnomAD compares: East Asian, 0.033%; no homozygotes.

Submissions (2):

Labcorp Genetics (formerly Invitae), Labcorp
Classification: Likely benign for Gorlin syndrome. Last evaluated: 2026-01-13. Review status: criteria provided, single submitter. Criteria: Invitae Variant Classification Sherloc (09022015). Collection method: clinical testing. Allele origin: germline.

Ambry Genetics
Classification: Uncertain significance for Hereditary cancer-predisposing syndrome. Last evaluated: 2025-03-10. Review status: criteria provided, single submitter. Criteria: Ambry Variant Classification Scheme 2023. Collection method: clinical testing. Allele origin: germline.
Comment: The c.2704-3T>C intronic variant results from a T to C substitution 3 nucleotides upstream from coding exon 17 in the PTCH1 gene. This alteration was previously identified in an individual with nevoid basal cell carcinoma syndrome (NBCCS) in conjunction with a pathogenic frameshift mutation; however, the phase of these two alterations (cis or trans) was not determined (Abe S et al. Acta Derm. Venereol., 2008;88:635-6). Of note, this alteration is also designated IVS16-3T>C in the published literature. This nucleotide position is poorly conserved in available vertebrate species. In silico splice site analysis predicts that this alteration will not have any significant effect on splicing. Based on the available evidence, the clinical significance of this variant remains unclear.

Literature cited by the submitters: PubMed 19002359 (cited by Ambry Genetics).